The following is an entry in ClinVar:

NM_004304.5(ALK):c.2996C>T (p.Pro999Leu)

Gene: ALK (ALK receptor tyrosine kinase; minus strand). Cytogenetic location: 2p23.2.
Variant type: single nucleotide variant.
Coding change: c.2996C>T on transcript NM_004304.5 (MANE Select); coding-DNA position 2996, C replaced by T.
Protein change: p.Pro999Leu; replaces proline 999 with leucine.
Molecular consequence: missense variant.
Genome position (GRCh38, 1-based): chr2:29,226,993, G>A on the plus strand (C>T on the coding strand, the complement: ALK is on the minus strand). VCF-style: chr2-29226993-G-A. GRCh37 (hg19) VCF-style: chr2-29449859-G-A.
Other names: short protein forms P999L.
Identifiers: ClinVar variation 2725783 (VCV002725783.3), dbSNP rs1376365612, ClinGen allele CA346467681.

ClinVar aggregate classification (germline): Uncertain significance (1 of 4 stars; one submission).

Conditions:
Neuroblastoma, susceptibility to, 3. Also called: ALK-Related Neuroblastic Tumor Susceptibility. Identifiers: Orphanet 635, MedGen C2751681, MONDO:0013083, OMIM 613014.

gnomAD v4.1: 1 of 1,614,086 alleles (0.000062%); highest among the groups gnomAD compares: Non-Finnish European, 0.000085%; no homozygotes.

Submission:

Labcorp Genetics (formerly Invitae), Labcorp
Classification: Uncertain significance for Neuroblastoma, susceptibility to, 3. Last evaluated: 2024-01-10. Review status: criteria provided, single submitter. Criteria: Invitae Variant Classification Sherloc (09022015). Collection method: clinical testing. Allele origin: germline.
Comment: This sequence change replaces proline, which is neutral and non-polar, with leucine, which is neutral and non-polar, at codon 999 of the ALK protein (p.Pro999Leu). This variant is present in population databases (no rsID available, gnomAD 0.007%). This variant has not been reported in the literature in individuals affected with ALK-related conditions. An algorithm developed to predict the effect of missense changes on protein structure and function (PolyPhen-2) suggests that this variant is likely to be tolerated. In summary, the available evidence is currently insufficient to determine the role of this variant in disease. Therefore, it has been classified as a Variant of Uncertain Significance.